The following is an entry in ClinVar:

ClinVar aggregate classification (germline): Likely pathogenic (1 of 4 stars; one submission).

Submission:

Labcorp Genetics (formerly Invitae), Labcorp
Classification: Likely pathogenic. Last evaluated: 2025-05-09. Review status: criteria provided, single submitter. Criteria: Invitae Variant Classification Sherloc (09022015). Collection method: clinical testing. Allele origin: germline.
Comment: This sequence change affects a donor splice site in intron 12 of the FAT4 gene. It is expected to disrupt RNA splicing. Variants that disrupt the donor or acceptor splice site typically lead to a loss of protein function (PMID: 16199547), and loss-of-function variants in FAT4 are known to be pathogenic (PMID: 24056717, 24913602). This variant is not present in population databases (gnomAD no frequency). This variant has not been reported in the literature in individuals affected with FAT4-related conditions. Algorithms developed to predict the effect of sequence changes on RNA splicing suggest that this variant may disrupt the consensus splice site. In summary, the currently available evidence indicates that the variant is pathogenic, but additional data are needed to prove that conclusively. Therefore, this variant has been classified as Likely Pathogenic.

Literature cited by the submitters: PubMed 16199547; PubMed 24056717; PubMed 24913602.

NM_001291303.3(FAT4):c.12299+1G>A

Gene: FAT4 (FAT atypical cadherin 4; plus strand). Cytogenetic location: 4q28.1.
Variant type: single nucleotide variant.
Coding change: c.12299+1G>A on transcript NM_001291303.3 (MANE Select); the canonical splice donor site of the intron after coding-DNA position 12299, G replaced by A.
Molecular consequence: splice donor variant.
Genome position (GRCh38, 1-based): chr4:125,476,257, G>A. VCF-style: chr4-125476257-G-A. GRCh37 (hg19) VCF-style: chr4-126397412-G-A.
Other names: c.12299+1G>A (NM_001438396.1, NM_001438397.1, NM_001291285.3); c.12293+1G>A (NM_024582.6); c.7070+1G>A (NM_001437895.1).
Identifiers: ClinVar variation 4718846 (VCV004718846.1).